The following is an entry in ClinVar:

ClinVar aggregate classification (germline): Uncertain significance. Review status: criteria provided, multiple submitters, no conflicts (2 of 4 stars). 2 submissions from 2 submitters: Uncertain significance (2). Last evaluated 2024-01-22.

Conditions:
Lung cancer. Also called: Malignant tumor of lung; Lung cancer, somatic. Identifiers: MedGen C0242379, MONDO:0008903, OMIM 211980.
Glioma susceptibility 1 (GLM1). Also called: Glioblastoma, somatic. Identifiers: MedGen C2750850, MONDO:0024498, OMIM 137800.
Gastric cancer. Also called: Malignant tumor of stomach; Stomach cancer. Identifiers: MedGen C0024623, MeSH D013274, MONDO:0001056, OMIM 613659, HP:0012126.
Ovarian cancer. Also called: OVARIAN CANCER, SOMATIC. Identifiers: Orphanet 213500, MedGen C1140680, MONDO:0008170, OMIM 167000.
Visceral neuropathy, familial, 2, autosomal recessive. Identifiers: MedGen C5561950, MONDO:0030399, OMIM 619465.

Allele frequency attached by ClinVar (database versions not stated): gnomAD exomes 0.00001; ExAC 0.00002; gnomAD 0.00002; TOPMed 0.00002; ESP Exome Variant Server 0.00008.

Submissions (2):

Fulgent Genetics
Classification: Uncertain significance for Glioma susceptibility 1; Ovarian cancer; Lung cancer; Gastric cancer; Visceral neuropathy, familial, 2, autosomal recessive. Last evaluated: 2024-01-22. Review status: criteria provided, single submitter. Criteria: ACMG Guidelines, 2015. Collection method: clinical testing. Allele origin: germline.

Labcorp Genetics (formerly Invitae), Labcorp
Classification: Uncertain significance. Last evaluated: 2024-01-18. Review status: criteria provided, single submitter. Criteria: Invitae Variant Classification Sherloc (09022015). Collection method: clinical testing. Allele origin: germline.
Comment: This sequence change replaces lysine, which is basic and polar, with asparagine, which is neutral and polar, at codon 1096 of the ERBB2 protein (p.Lys1096Asn). This variant is present in population databases (rs373724781, gnomAD 0.007%). This variant has not been reported in the literature in individuals affected with ERBB2-related conditions. ClinVar contains an entry for this variant (Variation ID: 2173210). An algorithm developed to predict the effect of missense changes on protein structure and function (PolyPhen-2) suggests that this variant is likely to be tolerated. In summary, the available evidence is currently insufficient to determine the role of this variant in disease. Therefore, it has been classified as a Variant of Uncertain Significance.

NM_004448.4(ERBB2):c.3288G>C (p.Lys1096Asn)

Gene: ERBB2 (erb-b2 receptor tyrosine kinase 2; plus strand). Cytogenetic location: 17q12.
Variant type: single nucleotide variant.
Coding change: c.3288G>C on transcript NM_004448.4 (MANE Select); coding-DNA position 3288, G replaced by C.
Protein change: p.Lys1096Asn; replaces lysine 1096 with asparagine.
Molecular consequence: missense variant. On other transcripts: non-coding transcript variant (1), intron variant (2).
Genome position (GRCh38, 1-based): chr17:39,727,423, G>C. VCF-style: chr17-39727423-G-C. GRCh37 (hg19) VCF-style: chr17-37883676-G-C.
Other names: c.3198G>C, p.Lys1066Asn (NM_001005862.3, NM_001382782.1, NM_001382783.1); c.3243G>C, p.Lys1081Asn (NM_001289936.2); c.3405G>C, p.Lys1135Asn (NM_001382784.1); c.3390G>C, p.Lys1130Asn (NM_001382785.1); c.3369G>C, p.Lys1123Asn (NM_001382786.1); c.3363G>C, p.Lys1121Asn (NM_001382787.1); c.3318G>C, p.Lys1106Asn (NM_001382788.1); c.3309G>C, p.Lys1103Asn (NM_001382789.1); and 17 more; short protein forms K1044N, K1082N, K1084N, K1095N, K1096N, K1103N, K1121N, K1135N.
Identifiers: ClinVar variation 2173210 (VCV002173210.5), dbSNP rs373724781, ClinGen allele CA8534517.